The following is an entry in ClinVar:

ClinVar aggregate classification (germline): Benign/Likely benign. Review status: criteria provided, multiple submitters, no conflicts (2 of 4 stars). 18 submissions from 16 submitters: Benign (13); Likely benign (4). 1 of the submissions does not count toward it. Last evaluated 2026-09-01.

Conditions:
ANO5-related disorder. Also called: ANO5-related condition; ANO5-related disorders. Identifiers: MedGen CN239193.
Autosomal recessive limb-girdle muscular dystrophy type 2L (LGMDR12). Also called: Limb-girdle muscular dystrophy, type 2L; Limb-Girdle Muscular Dystrophy R12 Anoctamin-5-Related (LGMD-R12); MUSCULAR DYSTROPHY, LIMB-GIRDLE, AUTOSOMAL RECESSIVE 12. Identifiers: Orphanet 206549, MedGen C1969785, MONDO:0012652, OMIM 611307.
Gnathodiaphyseal dysplasia (GDD). Also called: GNATHODIAPHYSEAL SCLEROSIS; OSTEOGENESIS IMPERFECTA WITH UNUSUAL SKELETAL LESIONS. Identifiers: Orphanet 53697, MedGen C1833736, MONDO:0008151, OMIM 166260.
ANO5-Related Muscle Diseases. Identifiers: MedGen CN180644.
Miyoshi muscular dystrophy 3 (MMD3). Also called: Miyoshi Muscular Dystrophy 3 (MMD3); Miyoshi myopathy 3. Identifiers: Orphanet 399096, MedGen C2750076, MONDO:0013222, OMIM 613319.

Allele frequency attached by ClinVar (database versions not stated): 1000 Genomes Project 0.00359; 1000 Genomes Project 30x 0.00390; TOPMed 0.00773; gnomAD 0.00804 and 0.00805; ESP Exome Variant Server 0.00923.
gnomAD v4.1: 16,708 of 1,613,342 alleles (1%); highest among the groups gnomAD compares: Non-Finnish European, 1.2%; 131 homozygotes.

Submissions (18):

CeGaT Center for Human Genetics Tuebingen
Classification: Likely benign. Last evaluated: 2026-09-01. Review status: criteria provided, single submitter. Criteria: CeGaT Center For Human Genetics Tuebingen Variant Classification Criteria Version 2. Collection method: clinical testing. Allele origin: germline. Affected: yes. Observed: 42 variant alleles.
Comment: ANO5: BP4

Labcorp Genetics (formerly Invitae), Labcorp
Classification: Benign for Autosomal recessive limb-girdle muscular dystrophy type 2L; Gnathodiaphyseal dysplasia. Last evaluated: 2026-02-04. Review status: criteria provided, single submitter. Criteria: Invitae Variant Classification Sherloc (09022015). Collection method: clinical testing. Allele origin: germline.

Athena Diagnostics
Classification: Benign. Last evaluated: 2025-06-04. Review status: criteria provided, single submitter. Criteria: Athena Diagnostics Criteria. Collection method: clinical testing. Allele origin: unknown.
Comment: The frequency of this variant in the general population is higher than would generally be expected for pathogenic variants in this gene. Computational tools predict this amino acid change may be benign.

Blueprint Genetics
Classification: Benign. Last evaluated: 2024-11-27. Review status: criteria provided, single submitter. Criteria: ACMG Guidelines, 2015. Collection method: clinical testing. Allele origin: germline.

ARUP Laboratories, Molecular Genetics and Genomics, ARUP Laboratories
Classification: Benign. Last evaluated: 2023-10-13. Review status: criteria provided, single submitter. Criteria: ARUP Molecular Germline Variant Investigation Process 2024. Collection method: clinical testing. Allele origin: germline.

Genome-Nilou Lab
Classification: Benign for Gnathodiaphyseal dysplasia. Last evaluated: 2021-12-05. Review status: criteria provided, single submitter. Criteria: ACMG Guidelines, 2015. Collection method: clinical testing. Allele origin: germline. Affected: no.

Genome-Nilou Lab
Classification: Benign for Miyoshi muscular dystrophy 3. Last evaluated: 2021-12-05. Review status: criteria provided, single submitter. Criteria: ACMG Guidelines, 2015. Collection method: clinical testing. Allele origin: germline. Affected: no.

Genome-Nilou Lab
Classification: Benign for Autosomal recessive limb-girdle muscular dystrophy type 2L. Last evaluated: 2021-12-05. Review status: criteria provided, single submitter. Criteria: ACMG Guidelines, 2015. Collection method: clinical testing. Allele origin: germline. Affected: no.

Fulgent Genetics
Classification: Benign for Gnathodiaphyseal dysplasia; Autosomal recessive limb-girdle muscular dystrophy type 2L; Miyoshi muscular dystrophy 3. Last evaluated: 2021-10-13. Review status: criteria provided, single submitter. Criteria: ACMG Guidelines, 2015. Collection method: clinical testing. Allele origin: unknown.

Mendelics
Classification: Benign for Gnathodiaphyseal dysplasia. Last evaluated: 2019-05-28. Review status: criteria provided, single submitter. Criteria: Mendelics Assertion Criteria 2017. Collection method: clinical testing. Allele origin: unknown.

Illumina Laboratory Services, Illumina
Classification: Likely benign for ANO5-Related Muscle Diseases. Last evaluated: 2018-01-13. Review status: criteria provided, single submitter. Criteria: ICSL Variant Classification Criteria 13 December 2019. Collection method: clinical testing. Allele origin: germline.
Comment: This variant was observed in the ICSL laboratory as part of a predisposition screen in an ostensibly healthy population. It had not been previously curated by ICSL or reported in the Human Gene Mutation Database (HGMD: prior to June 1st, 2018), and was therefore a candidate for classification through an automated scoring system. Utilizing variant allele frequency, disease prevalence and penetrance estimates, and inheritance mode, an automated score was calculated to assess if this variant is too frequent to cause the disease. Based on the score and internal cut-off values, a variant classified as likely benign is not then subjected to further curation. The score for this variant resulted in a classification of likely benign for this disease.

Mayo Clinic Laboratories, Mayo Clinic
Classification: Benign. Last evaluated: 2017-12-07. Review status: criteria provided, single submitter. Criteria: ACMG Guidelines, 2015. Collection method: clinical testing. Allele origin: germline. Observed: 28 variant alleles.

Genetic Services Laboratory, University of Chicago
Classification: Benign. Last evaluated: 2017-11-13. Review status: criteria provided, single submitter. Criteria: ACMG Guidelines, 2015. Collection method: clinical testing. Allele origin: germline. Affected: no.

Institute for Genomic Medicine (IGM) Clinical Laboratory, Nationwide Children's Hospital
Classification: Likely benign. Last evaluated: 2017-05-09. Review status: criteria provided, single submitter. Criteria: ACMG Guidelines, 2015. Collection method: clinical testing. Allele origin: germline.
Comment: BP4,BP6; This alteration is predicted to be tolerated by multiple functional prediction tools, and was reported as a benign/likely benign alteration by a reputable source (ClinVar or other correspondence from a clinical testing laboratory).

GeneDx
Classification: Benign. Last evaluated: 2016-02-26. Review status: criteria provided, single submitter. Criteria: GeneDx Variant Classification (06012015). Collection method: clinical testing. Allele origin: germline. Affected: yes.
Comment: This variant is considered likely benign or benign based on one or more of the following criteria: it is a conservative change, it occurs at a poorly conserved position in the protein, it is predicted to be benign by multiple in silico algorithms, and/or has population frequency not consistent with disease.

Eurofins Ntd Llc (ga)
Classification: Benign. Last evaluated: 2015-01-20. Review status: criteria provided, single submitter. Criteria: EGL Classification Definitions 2015. Collection method: clinical testing. Allele origin: germline. Observed: 3 variant alleles, 3 heterozygotes.

Breakthrough Genomics
Classification: Likely benign. Review status: criteria provided, single submitter. Criteria: ACMG Guidelines, 2015. Collection method: not provided. Allele origin: germline. Inheritance: Autosomal recessive inheritance. Affected: yes.

PreventionGenetics, part of Exact Sciences
Classification: Likely benign for ANO5-related condition. Last evaluated: 2021-01-12. Review status: no assertion criteria provided. Collection method: clinical testing. Allele origin: germline. Not counted in ClinVar's aggregate classification.
Comment: This variant is classified as likely benign based on ACMG/AMP sequence variant interpretation guidelines (Richards et al. 2015 PMID: 25741868, with internal and published modifications).

Literature cited by the submitters: PubMed 25214167 (cited by Athena Diagnostics); PubMed 28050010 (cited by Athena Diagnostics); PubMed 28440294 (cited by Athena Diagnostics); PubMed 32343762 (cited by Athena Diagnostics); PubMed 27703146 (cited by Athena Diagnostics); PubMed 33462484 (cited by Athena Diagnostics); PubMed 31862442 (cited by Athena Diagnostics); PubMed 25802880 (cited by Athena Diagnostics); PubMed 29970176 (cited by Athena Diagnostics); PubMed 36157496 (cited by Athena Diagnostics); PubMed 36137979 (cited by Athena Diagnostics); PubMed 35563815 (cited by Athena Diagnostics); PubMed 33400223 (cited by Athena Diagnostics); PubMed 22980763 (cited by Athena Diagnostics); PubMed 23606453 (cited by Athena Diagnostics); PubMed 23041008 (cited by Athena Diagnostics); PubMed 25891276 (cited by Athena Diagnostics).

NM_213599.3(ANO5):c.2387C>T (p.Ser796Leu)

Gene: ANO5 (anoctamin 5; plus strand). Cytogenetic location: 11p14.3.
Variant type: single nucleotide variant.
Coding change: c.2387C>T on transcript NM_213599.3 (MANE Select); coding-DNA position 2387, C replaced by T.
Protein change: p.Ser796Leu; replaces serine 796 with leucine.
Molecular consequence: missense variant.
Genome position (GRCh38, 1-based): chr11:22,274,720, C>T. VCF-style: chr11-22274720-C-T. GRCh37 (hg19) VCF-style: chr11-22296266-C-T.
Other names: c.2384C>T, p.Ser795Leu (NM_001142649.2); short protein forms S796L, S795L.
Identifiers: ClinVar variation 195543 (VCV000195543.71), dbSNP rs61910685, ClinGen allele CA201820.